The following is an entry in ClinVar:

ClinVar aggregate classification (germline): Likely benign. Review status: criteria provided, multiple submitters, no conflicts (2 of 4 stars). 2 submissions from 2 submitters: Likely benign (2). Last evaluated 2026-06-27.

Conditions:
NEB-related disorder. Also called: NEB-related condition; NEB-Related Disorders.
Nemaline myopathy 2 (NEM2). Also called: Nemaline myopathy 2, autosomal recessive. Identifiers: MedGen C1850569, MONDO:0009725, OMIM 256030.

Allele frequency attached by ClinVar (database versions not stated): gnomAD exomes below 0.00001 and 0.00001; gnomAD 0.00001; TOPMed 0.00001.
gnomAD v4.1: 3 of 1,613,076 alleles (0.00019%); highest among the groups gnomAD compares: Admixed American, 0.0033%; no homozygotes.

Submissions (2):

PreventionGenetics, part of Exact Sciences
Classification: Likely benign for NEB-related condition. Last evaluated: 2026-06-27. Review status: criteria provided, single submitter. Criteria: ACMG Guidelines, 2015. Collection method: clinical testing. Allele origin: germline.
Comment: This variant is classified as likely benign based on ACMG/AMP sequence variant interpretation guidelines (Richards et al. 2015 PMID: 25741868, with internal and published modifications).

Labcorp Genetics (formerly Invitae), Labcorp
Classification: Likely benign for Nemaline myopathy 2. Last evaluated: 2025-01-13. Review status: criteria provided, single submitter. Criteria: Invitae Variant Classification Sherloc (09022015). Collection method: clinical testing. Allele origin: germline.

NM_001164508.2(NEB):c.21480A>G (p.Pro7160=)

Genes: NEB (nebulin; minus strand), RIF1 (replication timing regulatory factor 1; plus strand). Cytogenetic location: 2q23.3.
Variant type: single nucleotide variant.
Coding change: c.21480A>G on transcript NM_001164508.2 (MANE Select); coding-DNA position 21480, A replaced by G.
Protein change: p.Pro7160=; no amino-acid change (proline 7160 retained).
Molecular consequence: synonymous variant.
Genome position (GRCh38, 1-based): chr2:151,531,834, T>C on the plus strand (A>G on the coding strand, the complement: NEB is on the minus strand). VCF-style: chr2-151531834-T-C. GRCh37 (hg19) VCF-style: chr2-152388348-T-C.
Other names: c.21480A>G, p.Pro7160= (NM_001164507.2); c.21585A>G, p.Pro7195= (NM_001271208.2); c.16377A>G, p.Pro5459= (NM_004543.5); c.21585A>G (NM_001271208.1).
Identifiers: ClinVar variation 1149935 (VCV001149935.10), dbSNP rs1412224941, ClinGen allele CA429228745.